The following is an entry in ClinVar:

NM_198253.3(TERT):c.1456C>T (p.Arg486Cys)

Gene: TERT (telomerase reverse transcriptase; minus strand). Cytogenetic location: 5p15.33.
Variant type: single nucleotide variant.
Coding change: c.1456C>T on transcript NM_198253.3 (MANE Select); coding-DNA position 1456, C replaced by T.
Protein change: p.Arg486Cys; replaces arginine 486 with cysteine.
Molecular consequence: missense variant. On other transcripts: non-coding transcript variant (2).
Genome position (GRCh38, 1-based): chr5:1,293,430, G>A on the plus strand (C>T on the coding strand, the complement: TERT is on the minus strand). VCF-style: chr5-1293430-G-A. GRCh37 (hg19) VCF-style: chr5-1293545-G-A.
Other names: p.Arg486Cys; c.1456C>T, p.Arg486Cys (NM_001193376.3); short protein forms R486C.
Identifiers: ClinVar variation 39101 (VCV000039101.56), dbSNP rs199422293, ClinGen allele CA343424.
Genomic context (GRCh38, chr5:1,293,430, plus strand): 5'-GCAGCGAGAGCTTGGCATGCTTCCCCAGGGAGATGAACTTCTTGGTGTTCCTGAGGAAGC[G>A]GCGTTCGTTGTGCCTGGAGCCCCAGAGGCCTGGGGGCACCAGCCGGCGCAGGCAGGCCCG-3'
Protein context (NP_937983.2, residues 476-496): GLWGSRHNER[Arg486Cys]FLRNTKKFIS

ClinVar aggregate classification (germline): Conflicting classifications of pathogenicity. Review status: criteria provided, conflicting classifications (1 of 4 stars). 7 submissions from 6 submitters: Likely pathogenic (3); Uncertain significance (2). 2 of the submissions do not count toward it. Last evaluated 2025-12-31.

Conditions:
Dyskeratosis congenita, autosomal dominant 2. Identifiers: MedGen C3151443, MONDO:0013521, OMIM 613989.
Idiopathic Pulmonary Fibrosis. Also called: Idiopathic fibrosing alveolitis, chronic form; idiopathic fibrosing alveolitis. Identifiers: Orphanet 2032, MedGen C1800706, MeSH D054990, MONDO:0800504.
Pulmonary fibrosis and/or bone marrow failure, Telomere-related, 1. Also called: PULMONARY FIBROSIS AND/OR BONE MARROW FAILURE SYNDROME, TELOMERE-RELATED, 1. Identifiers: Orphanet 88, MedGen C3553617, MONDO:0013878, OMIM 614742.
Dyskeratosis congenita. Identifiers: Orphanet 1775, MedGen C0265965, MONDO:0015780.
Interstitial lung disease 2 (ILD2). Also called: Familial idiopathic pulmonary fibrosis; FIBROCYSTIC PULMONARY DYSPLASIA; FIBROSING ALVEOLITIS, CRYPTOGENIC. Identifiers: Orphanet 2032, Orphanet 79126, MedGen C5561926, MONDO:0800497, OMIM 178500, MONDO:0800029.
Pulmonary fibrosis. Identifiers: MedGen C0034069, MONDO:0002771, HP:0002206.

gnomAD v4.1: 4 of 1,612,436 alleles (0.00025%); highest among the groups gnomAD compares: Admixed American, 0.0017%; no homozygotes.

Submissions (7):

Women's Health and Genetics/Laboratory Corporation of America, LabCorp
Classification: Uncertain significance. Last evaluated: 2025-12-31. Review status: criteria provided, single submitter. Criteria: LabCorp Variant Classification Summary - May 2015. Collection method: clinical testing. Allele origin: germline.
Comment: Variant summary: TERT c.1456C>T (p.Arg486Cys) results in a non-conservative amino acid change in the encoded protein sequence. Algorithms developed to predict the effect of missense changes on protein structure and function all suggest that this variant is likely to be disruptive. The variant was absent in 247080 control chromosomes. c.1456C>T has been observed in the heterozygous state in individual(s) affected with idiopathic pulmonary fibrosis (e.g. Tsakiri_2007, Diaz de Leon_2010, Newton_2016, Zhang_2022). These reports do not provide unequivocal conclusions about association of the variant with Dyskeratosis congenita or other TERT-related conditions. At least one publication reports experimental evidence evaluating an impact on protein function. The most pronounced variant effect resulted in 30%-50% of normal activity in a telomere repeat amplification protocol (TRAP) assay (Tsakiri_2007). The following publications have been ascertained in the context of this evaluation (PMID: 20502709, 27540018, 17460043, 36028256). ClinVar contains an entry for this variant (Variation ID: 39101). Based on the evidence outlined above, the variant was classified as VUS-possibly pathogenic.

CeGaT Center for Human Genetics Tuebingen
Classification: Likely pathogenic. Last evaluated: 2025-12-01. Review status: criteria provided, single submitter. Criteria: CeGaT Center For Human Genetics Tuebingen Variant Classification Criteria Version 2. Collection method: clinical testing. Allele origin: germline. Affected: yes. Observed: 2 variant alleles.
Comment: TERT: PS4:Moderate, PM2:Supporting, PP1, PP4, PS3:Supporting

Garcia Pulmonary Genetics Research Laboratory, Columbia University Irving Medical Center
Classification: Likely pathogenic for Pulmonary fibrosis and/or bone marrow failure, Telomere-related, 1. Last evaluated: 2022-05-19. Review status: criteria provided, single submitter. Criteria: ACMG Guidelines, 2015. Collection method: research. Allele origin: germline. Affected: yes. Observed: 1 variant allele.

Labcorp Genetics (formerly Invitae), Labcorp
Classification: Uncertain significance for Dyskeratosis congenita, autosomal dominant 2; Idiopathic Pulmonary Fibrosis. Last evaluated: 2021-12-17. Review status: criteria provided, single submitter. Criteria: Invitae Variant Classification Sherloc (09022015). Collection method: clinical testing. Allele origin: germline.
Comment: This sequence change replaces arginine, which is basic and polar, with cysteine, which is neutral and slightly polar, at codon 486 of the TERT protein (p.Arg486Cys). This variant is not present in population databases (gnomAD no frequency). This missense change has been observed in individual(s) with idiopathic pulmonary fibrosis (PMID: 17460043, 20502709, 27540018). ClinVar contains an entry for this variant (Variation ID: 39101). Advanced modeling of protein sequence and biophysical properties (such as structural, functional, and spatial information, amino acid conservation, physicochemical variation, residue mobility, and thermodynamic stability) performed at Invitae indicates that this missense variant is expected to disrupt TERT protein function. In summary, the available evidence is currently insufficient to determine the role of this variant in disease. Therefore, it has been classified as a Variant of Uncertain Significance.

Ambry Genetics
Classification: Likely pathogenic for Dyskeratosis congenita. Last evaluated: 2016-05-04. Review status: criteria provided, single submitter. Criteria: Ambry Variant Classification Scheme 2023. Collection method: clinical testing. Allele origin: germline.
Comment: The p.R486C variant (also known as c.1456C>T), located in coding exon 2 of the TERT gene, results from a C to T substitution at nucleotide position 1456. The arginine at codon 486 is replaced by cysteine, an amino acid with highly dissimilar properties. In addition, in vitro functional studies showed reduced telomerase activity and shortened telomeres (Tsakiri KD, Proc. Natl. Acad. Sci. U.S.A. 2007 May; 104(18):7552-7). This variant was previously reported in the SNPDatabase as rs199422293. This variant was not reported in population-based cohorts in the NHLBI Exome Sequencing Project (ESP) and 1000 Genomes Project databases. In the ESP, this variant was not observed in 6496 samples (12992 alleles) with coverage at this position. This amino acid position is well conserved in available vertebrate species. In addition, this alteration is predicted to be deleterious by in silico analysis. Based on the majority of available evidence to date, this variant is likely to be pathogenic.

Garcia Pulmonary Genetics Research Laboratory, Columbia University Irving Medical Center
Classification: Likely risk allele for Pulmonary fibrosis. Last evaluated: 2022-06-09. Review status: no assertion criteria provided. Collection method: research. Allele origin: germline. Affected: yes. Not counted in ClinVar's aggregate classification.
Comment: Leukocyte telomere length (by qPCR) less than 10th percentile age-adjusted

GeneReviews
No classification provided. Condition: Interstitial lung disease 2. Review status: no classification provided. Collection method: literature only. Allele origin: unknown. Not counted in ClinVar's aggregate classification.

Literature cited by the submitters: PubMed 27540018 (cited by Women's Health and Genetics/Laboratory Corporation of America, LabCorp and Labcorp Genetics (formerly Invitae), Labcorp); PubMed 36028256 (cited by Women's Health and Genetics/Laboratory Corporation of America, LabCorp); PubMed 20502709 (cited by Women's Health and Genetics/Laboratory Corporation of America, LabCorp and Labcorp Genetics (formerly Invitae), Labcorp); PubMed 17460043 (cited by Women's Health and Genetics/Laboratory Corporation of America, LabCorp and Labcorp Genetics (formerly Invitae), Labcorp); PubMed 20301779 (cited by GeneReviews); NCBI Bookshelf NBK22301 (cited by GeneReviews).